The following is an entry in ClinVar:

NM_004523.4(KIF11):c.1874T>C (p.Ile625Thr)

Gene: KIF11 (kinesin family member 11; plus strand). Cytogenetic location: 10q23.33.
Variant type: single nucleotide variant.
Coding change: c.1874T>C on transcript NM_004523.4 (MANE Select); coding-DNA position 1874, T replaced by C.
Protein change: p.Ile625Thr; replaces isoleucine 625 with threonine.
Molecular consequence: missense variant.
Genome position (GRCh38, 1-based): chr10:92,633,794, T>C. VCF-style: chr10-92633794-T-C. GRCh37 (hg19) VCF-style: chr10-94393551-T-C.
Other names: short protein forms I625T.
Identifiers: ClinVar variation 2875076 (VCV002875076.3), dbSNP rs760331679, ClinGen allele CA5604272.
Genomic context (GRCh38, chr10:92,633,794, plus strand): 5'-ATATGATACTAAAAGAACAATCATTAGCAGCAGAAAGTAAAACTGTACTACAGGAATTGA[T>C]TGTTAGTACATCCTTTAAAATATTTTTGAAGGGTTGCATTTGATAAGTATTTGATAAAAT-3'
Protein context (NP_004514.2, residues 615-635): AESKTVLQEL[Ile625Thr]NVLKTDLLSS

ClinVar aggregate classification (germline): Uncertain significance (1 of 4 stars; one submission).

Allele frequency attached by ClinVar (database versions not stated): gnomAD exomes below 0.00001; ExAC 0.00001.
gnomAD v4.1: 1 of 1,552,520 alleles (0.000064%); highest among the groups gnomAD compares: East Asian, 0.0023%; no homozygotes.

Submission:

Labcorp Genetics (formerly Invitae), Labcorp
Classification: Uncertain significance. Last evaluated: 2023-05-23. Review status: criteria provided, single submitter. Criteria: Invitae Variant Classification Sherloc (09022015). Collection method: clinical testing. Allele origin: germline.
Comment: This sequence change replaces isoleucine, which is neutral and non-polar, with threonine, which is neutral and polar, at codon 625 of the KIF11 protein (p.Ile625Thr). This variant is present in population databases (rs760331679, gnomAD 0.006%). In summary, the available evidence is currently insufficient to determine the role of this variant in disease. Therefore, it has been classified as a Variant of Uncertain Significance. An algorithm developed to predict the effect of missense changes on protein structure and function (PolyPhen-2) suggests that this variant is likely to be tolerated. This variant has not been reported in the literature in individuals affected with KIF11-related conditions.